The following is an entry in ClinVar:

NM_001164508.2(NEB):c.20892T>G (p.Asp6964Glu)

Gene: NEB (nebulin; minus strand). Cytogenetic location: 2q23.3.
Variant type: single nucleotide variant.
Coding change: c.20892T>G on transcript NM_001164508.2 (MANE Select); coding-DNA position 20892, T replaced by G.
Protein change: p.Asp6964Glu; replaces aspartic acid 6964 with glutamic acid.
Molecular consequence: missense variant.
Genome position (GRCh38, 1-based): chr2:151,540,344, A>C on the plus strand (T>G on the coding strand, the complement: NEB is on the minus strand). VCF-style: chr2-151540344-A-C. GRCh37 (hg19) VCF-style: chr2-152396858-A-C.
Other names: c.20892T>G, p.Asp6964Glu (NM_001164507.2, NM_001271208.2); c.15789T>G, p.Asp5263Glu (NM_004543.5); short protein forms D6964E, D5263E.
Identifiers: ClinVar variation 445892 (VCV000445892.4), dbSNP rs1553694845, ClinGen allele CA348776806.

ClinVar aggregate classification (germline): Uncertain significance. Review status: criteria provided, multiple submitters, no conflicts (2 of 4 stars). 2 submissions from 2 submitters: Uncertain significance (2). Last evaluated 2022-02-24.

Conditions:
Nemaline myopathy 2 (NEM2). Also called: Nemaline myopathy 2, autosomal recessive. Identifiers: MedGen C1850569, MONDO:0009725, OMIM 256030.

Submissions (2):

Labcorp Genetics (formerly Invitae), Labcorp
Classification: Uncertain significance for Nemaline myopathy 2. Last evaluated: 2022-02-24. Review status: criteria provided, single submitter. Criteria: Invitae Variant Classification Sherloc (09022015). Collection method: clinical testing. Allele origin: germline.
Comment: This sequence change replaces aspartic acid, which is acidic and polar, with glutamic acid, which is acidic and polar, at codon 6964 of the NEB protein (p.Asp6964Glu). This variant is not present in population databases (gnomAD no frequency). This variant has not been reported in the literature in individuals affected with NEB-related conditions. ClinVar contains an entry for this variant (Variation ID: 445892). Algorithms developed to predict the effect of missense changes on protein structure and function are either unavailable or do not agree on the potential impact of this missense change (SIFT: "Deleterious"; PolyPhen-2: "Not Available"; Align-GVGD: "Class C0"). In summary, the available evidence is currently insufficient to determine the role of this variant in disease. Therefore, it has been classified as a Variant of Uncertain Significance.

Center for Pediatric Genomic Medicine, Children's Mercy Hospital and Clinics
Classification: Uncertain significance. Last evaluated: 2017-05-11. Review status: criteria provided, single submitter. Criteria: ACMG Guidelines, 2015. Collection method: clinical testing. Allele origin: germline.